The following is an entry in ClinVar:

ClinVar aggregate classification (germline): Likely pathogenic (1 of 4 stars; one submission).

Conditions:
Epilepsy. Also called: Seizure disorder. Identifiers: MedGen C0014544, MeSH D004827, MONDO:0005027.

Submission:

Victorian Clinical Genetics Services, Murdoch Childrens Research Institute
Classification: Likely pathogenic for Epilepsy. Last evaluated: 2023-07-17. Review status: criteria provided, single submitter. Criteria: ACMG Guidelines, 2015. Collection method: clinical testing. Allele origin: germline. Inheritance: Autosomal dominant inheritance. Affected: yes.
Comment: Based on the classification scheme VCGS_Germline_v1.3.4, this variant is classified as Likely Pathogenic. Following criteria are met: 0102 - Loss of function is a likely mechanism of disease in this gene and is associated with epilepsy, (MONDO:0005027), BSN-related. (I) 0108 - This gene is associated with both recessive and dominant disease. Biallelic missense and inframe deletion variants have been reported to cause recessive disease, while monoallelic loss of function and missense variants have been reported in dominant disease (PMID: 36600631). (I) 0201 - Variant is predicted to cause nonsense-mediated decay (NMD) and loss of protein (premature termination codon is located at least 54 nucleotides upstream of the final exon-exon junction). (SP) 0251 - This variant is heterozygous. (I) 0301 - Variant is absent from gnomAD (both v2 and v3). (SP) 0703 - Other NMD-predicted variants comparable to the one identified in this case have moderate previous evidence for pathogenicity. These two variants have been reported in de novo individuals with epilepsy and febrile seizures (PMID: 36600631). (SP) 0807 - This variant has no previous evidence of pathogenicity. (I) 0905 - No published segregation evidence has been identified for this variant. (I) 1007 - No published functional evidence has been identified for this variant. (SP) Legend: (SP) - Supporting pathogenic, (I) - Information, (SB) - Supporting benign

Literature cited by the submitters: PubMed 36600631.

NM_003458.4(BSN):c.10255C>T (p.Gln3419Ter)

Gene: BSN (bassoon presynaptic cytomatrix protein; plus strand). Cytogenetic location: 3p21.31.
Variant type: single nucleotide variant.
Coding change: c.10255C>T on transcript NM_003458.4 (MANE Select); coding-DNA position 10255, C replaced by T.
Protein change: p.Gln3419Ter; replaces glutamine 3419 with a stop codon.
Molecular consequence: nonsense.
Genome position (GRCh38, 1-based): chr3:49,662,100, C>T. VCF-style: chr3-49662100-C-T. GRCh37 (hg19) VCF-style: chr3-49699533-C-T.
Other names: short protein forms Q3419*.
Identifiers: ClinVar variation 3376717 (VCV003376717.1).